The following is an entry in ClinVar:

ClinVar aggregate classification (germline): Uncertain significance (1 of 4 stars; one submission).

Conditions:
Arrhythmogenic cardiomyopathy with wooly hair and keratoderma. Also called: Dilated cardiomyopathy with woolly hair and keratoderma; PALMOPLANTAR KERATODERMA WITH LEFT VENTRICULAR CARDIOMYOPATHY AND WOOLLY HAIR; Carvajal syndrome; Arrhythmogenic cardiomyopathy with woolly hair and keratoderma. Identifiers: Orphanet 65282, MedGen C1854063, MONDO:0011581, OMIM 605676.
Arrhythmogenic right ventricular dysplasia 8 (ARVD8). Also called: Arrhythmogenic Right Ventricular Dysplasia/Cardiomyopathy 8; ARRHYTHMOGENIC RIGHT VENTRICULAR DYSPLASIA, FAMILIAL, 8; ARRHYTHMOGENIC RIGHT VENTRICULAR CARDIOMYOPATHY 8. Identifiers: MedGen C1843896, MONDO:0011831, OMIM 607450.

Submission:

Labcorp Genetics (formerly Invitae), Labcorp
Classification: Uncertain significance for Arrhythmogenic cardiomyopathy with wooly hair and keratoderma; Arrhythmogenic right ventricular dysplasia 8. Last evaluated: 2021-09-10. Review status: criteria provided, single submitter. Criteria: Invitae Variant Classification Sherloc (09022015). Collection method: clinical testing. Allele origin: germline.
Comment: This sequence change replaces valine with glycine at codon 495 of the DSP protein (p.Val495Gly). The valine residue is highly conserved and there is a moderate physicochemical difference between valine and glycine. This variant is not present in population databases (ExAC no frequency). This variant has not been reported in the literature in individuals with DSP-related conditions. Algorithms developed to predict the effect of missense changes on protein structure and function are either unavailable or do not agree on the potential impact of this missense change (SIFT: "Deleterious"; PolyPhen-2: "Probably Damaging"; Align-GVGD: "Class C0"). In summary, the available evidence is currently insufficient to determine the role of this variant in disease. Therefore, it has been classified as a Variant of Uncertain Significance.

NM_004415.4(DSP):c.1484T>G (p.Val495Gly)

Gene: DSP (desmoplakin; plus strand). Cytogenetic location: 6p24.3.
Variant type: single nucleotide variant.
Coding change: c.1484T>G on transcript NM_004415.4 (MANE Select); coding-DNA position 1484, T replaced by G.
Protein change: p.Val495Gly; replaces valine 495 with glycine.
Molecular consequence: missense variant.
Genome position (GRCh38, 1-based): chr6:7,569,250, T>G. VCF-style: chr6-7569250-T-G. GRCh37 (hg19) VCF-style: chr6-7569483-T-G.
Other names: c.1484T>G, p.Val495Gly (NM_001008844.3, NM_001319034.2); short protein forms V495G.
Identifiers: ClinVar variation 1445959 (VCV001445959.8), dbSNP rs727504518, ClinGen allele CA362677588.